The following is an entry in ClinVar:

ClinVar aggregate classification (germline): Conflicting classifications of pathogenicity. Review status: criteria provided, conflicting classifications (1 of 4 stars). 2 submissions from 2 submitters: Uncertain significance (1); Likely benign (1). Last evaluated 2026-09-01.

Conditions:
Inborn genetic diseases. Identifiers: MedGen C0950123, MeSH D030342.

gnomAD v4.1: 39 of 1,194,195 alleles (0.0033%); highest among the groups gnomAD compares: Non-Finnish European, 0.0043%; no homozygotes.

Submissions (2):

CeGaT Center for Human Genetics Tuebingen
Classification: Likely benign. Last evaluated: 2026-09-01. Review status: criteria provided, single submitter. Criteria: CeGaT Center For Human Genetics Tuebingen Variant Classification Criteria Version 2. Collection method: clinical testing. Allele origin: germline. Affected: yes. Observed: 1 variant allele.
Comment: PHF8: BP4, BS2

Ambry Genetics
Classification: Uncertain significance for Inborn genetic diseases. Last evaluated: 2025-07-18. Review status: criteria provided, single submitter. Criteria: Ambry Variant Classification Scheme 2023. Collection method: clinical testing. Allele origin: germline.

NM_015107.3(PHF8):c.1702C>G (p.Pro568Ala)

Gene: PHF8 (PHD finger protein 8; minus strand). Cytogenetic location: Xp11.22.
Variant type: single nucleotide variant.
Coding change: c.1702C>G on transcript NM_015107.3 (MANE Select); coding-DNA position 1702, C replaced by G.
Protein change: p.Pro568Ala; replaces proline 568 with alanine.
Molecular consequence: missense variant.
Genome position (GRCh38, 1-based): chrX:53,992,764, G>C on the plus strand (C>G on the coding strand, the complement: PHF8 is on the minus strand). VCF-style: chrX-53992764-G-C. GRCh37 (hg19) VCF-style: chrX-54019197-G-C.
Other names: c.1810C>G, p.Pro604Ala (NM_001184896.1, NM_001441097.1); c.1399C>G, p.Pro467Ala (NM_001184897.2); c.1702C>G, p.Pro568Ala (NM_001184898.2); c.1507C>G, p.Pro503Ala (NM_001441096.1, NM_001441098.1); short protein forms P503A, P568A, P604A, P467A.
Identifiers: ClinVar variation 4135795 (VCV004135795.2).
Genomic context (GRCh38, chrX:53,992,764, plus strand): 5'-CAGTACCTCTGTGCTCCTCCTTCCCACCTCACCTGCCGTTAGACATCAATAGGGCCAATG[G>C]GCTCTCATTTCCATCAAGGTCCAAGTCTGGTGAGTCGTCATCTGAGTCATTCAAGCAGGC-3'
Protein context (NP_055922.1, residues 558-578): PDLDLDGNES[Pro568Ala]LALLMSNGST